The following is an entry in ClinVar:

ClinVar aggregate classification (germline): Uncertain significance (1 of 4 stars; one submission).

Submission:

Labcorp Genetics (formerly Invitae), Labcorp
Classification: Uncertain significance. Last evaluated: 2022-02-09. Review status: criteria provided, single submitter. Criteria: Invitae Variant Classification Sherloc (09022015). Collection method: clinical testing. Allele origin: germline.
Comment: Algorithms developed to predict the effect of missense changes on protein structure and function are either unavailable or do not agree on the potential impact of this missense change (SIFT: "Deleterious"; PolyPhen-2: "Probably Damaging"; Align-GVGD: "Class C0"). In summary, the available evidence is currently insufficient to determine the role of this variant in disease. Therefore, it has been classified as a Variant of Uncertain Significance. This variant has not been reported in the literature in individuals affected with FOXI1-related conditions. This variant is present in population databases (rs373020583, gnomAD 0.01%). This sequence change replaces proline, which is neutral and non-polar, with arginine, which is basic and polar, at codon 26 of the FOXI1 protein (p.Pro26Arg).

NM_012188.5(FOXI1):c.77C>G (p.Pro26Arg)

Gene: FOXI1 (forkhead box I1; plus strand). Cytogenetic location: 5q35.1.
Variant type: single nucleotide variant.
Coding change: c.77C>G on transcript NM_012188.5 (MANE Select); coding-DNA position 77, C replaced by G.
Protein change: p.Pro26Arg; replaces proline 26 with arginine.
Molecular consequence: missense variant.
Genome position (GRCh38, 1-based): chr5:170,106,034, C>G. VCF-style: chr5-170106034-C-G. GRCh37 (hg19) VCF-style: chr5-169533038-C-G.
Other names: c.77C>G, p.Pro26Arg (NM_144769.4); short protein forms P26R.
Identifiers: ClinVar variation 1365912 (VCV001365912.8), dbSNP rs373020583, ClinGen allele CA3554948.